The following is an entry in ClinVar:

ClinVar aggregate classification (germline): Uncertain significance (1 of 4 stars; one submission).

Conditions:
Autoimmune lymphoproliferative syndrome type 1. Also called: AUTOIMMUNE LYMPHOPROLIFERATIVE SYNDROME, TYPE I, AUTOSOMAL DOMINANT. Identifiers: Orphanet 3261, MedGen C2717884, MONDO:0011158, OMIM 601859.

Allele frequency attached by ClinVar (database versions not stated): TOPMed below 0.00001.

Submission:

Labcorp Genetics (formerly Invitae), Labcorp
Classification: Uncertain significance for Autoimmune lymphoproliferative syndrome. Last evaluated: 2022-01-13. Review status: criteria provided, single submitter. Criteria: Invitae Variant Classification Sherloc (09022015). Collection method: clinical testing. Allele origin: germline.
Comment: Algorithms developed to predict the effect of missense changes on protein structure and function are either unavailable or do not agree on the potential impact of this missense change (SIFT: "Tolerated"; PolyPhen-2: "Possibly Damaging"; Align-GVGD: "Class C0"). ClinVar contains an entry for this variant (Variation ID: 1000994). This variant has not been reported in the literature in individuals affected with FASLG-related conditions. This variant is not present in population databases (gnomAD no frequency). This sequence change replaces serine, which is neutral and polar, with cysteine, which is neutral and slightly polar, at codon 119 of the FASLG protein (p.Ser119Cys). In summary, the available evidence is currently insufficient to determine the role of this variant in disease. Therefore, it has been classified as a Variant of Uncertain Significance.

NM_000639.3(FASLG):c.355A>T (p.Ser119Cys)

Gene: FASLG (Fas ligand; plus strand). Cytogenetic location: 1q24.3.
Variant type: single nucleotide variant.
Coding change: c.355A>T on transcript NM_000639.3 (MANE Select); coding-DNA position 355, A replaced by T.
Protein change: p.Ser119Cys; replaces serine 119 with cysteine.
Molecular consequence: missense variant. On other transcripts: intron variant (1).
Genome position (GRCh38, 1-based): chr1:172,660,101, A>T. VCF-style: chr1-172660101-A-T. GRCh37 (hg19) VCF-style: chr1-172629241-A-T.
Other names: c.348+552A>T (NM_001302746.2); short protein forms S119C.
Identifiers: ClinVar variation 1000994 (VCV001000994.5), dbSNP rs1659104491, ClinGen allele CA343805628.
Genomic context (GRCh38, chr1:172,660,101, plus strand): 5'-TTGCTTAAAGAATTTTATTTTTATTATACATCTTTTCTCTTTCTGTTTTACTAGTCTACC[A>T]GCCAGATGCACACAGCATCATCTTTGGAGAAGCAAATAGGTGAGTCTTTTTTCGCATGTA-3'
Protein context (NP_000630.1, residues 109-129): KELAELREST[Ser119Cys]QMHTASSLEK